The following is an entry in ClinVar:

ClinVar aggregate classification (germline): Benign/Likely benign. Review status: criteria provided, multiple submitters, no conflicts (2 of 4 stars). 12 submissions from 12 submitters: Benign (7); Likely benign (3). 2 of the submissions do not count toward it. Last evaluated 2026-02-04.

Conditions:
Neuromuscular disease caused by qualitative or quantitative defects of dysferlin. Also called: Dysferlinopathy; Qualitative or quantitative defects of dysferlin. Identifiers: Orphanet 207073, MedGen C2931687, MONDO:0016145.
Autosomal recessive limb-girdle muscular dystrophy type 2B (LGMDR2). Also called: MUSCULAR DYSTROPHY, LIMB-GIRDLE, TYPE 3; Limb-Girdle Muscular Dystrophy Type 2B (LGMD2B); Limb-girdle muscular dystrophy, type 2B; MUSCULAR DYSTROPHY, LIMB-GIRDLE, AUTOSOMAL RECESSIVE 2. Identifiers: Orphanet 268, MedGen C1850889, MONDO:0009676, OMIM 253601.

Allele frequency attached by ClinVar (database versions not stated): 1000 Genomes Project 0.00599; 1000 Genomes Project 30x 0.00671; TOPMed 0.01311; ESP Exome Variant Server 0.01422; gnomAD exomes 0.01541; gnomAD 0.01615 and 0.01679; ExAC 0.02048.
gnomAD v4.1: 31,283 of 1,609,232 alleles (1.9%); highest among the groups gnomAD compares: Non-Finnish European, 2.3%; 376 homozygotes.

Submissions (12):

Labcorp Genetics (formerly Invitae), Labcorp
Classification: Benign for Neuromuscular disease caused by qualitative or quantitative defects of dysferlin. Last evaluated: 2026-02-04. Review status: criteria provided, single submitter. Criteria: Invitae Variant Classification Sherloc (09022015). Collection method: clinical testing. Allele origin: germline.

Athena Diagnostics
Classification: Benign. Last evaluated: 2025-08-08. Review status: criteria provided, single submitter. Criteria: Athena Diagnostics Criteria. Collection method: clinical testing. Allele origin: unknown.
Comment: The frequency of this variant in the general population is higher than would generally be expected for pathogenic variants in this gene. Computational tools yielded predictions that this variant is unlikely to have an effect on normal RNA splicing. This nucleotide position exhibits low evolutionary conservation.

Blueprint Genetics
Classification: Likely benign. Last evaluated: 2024-11-25. Review status: criteria provided, single submitter. Criteria: ACMG Guidelines, 2015. Collection method: clinical testing. Allele origin: germline.

Mayo Clinic Laboratories, Mayo Clinic
Classification: Benign. Last evaluated: 2018-12-28. Review status: criteria provided, single submitter. Criteria: ACMG Guidelines, 2015. Collection method: clinical testing. Allele origin: germline. Observed: 39 variant alleles.

Illumina Laboratory Services, Illumina
Classification: Likely benign for Qualitative or quantitative defects of dysferlin. Last evaluated: 2018-01-12. Review status: criteria provided, single submitter. Criteria: ICSL Variant Classification Criteria 13 December 2019. Collection method: clinical testing. Allele origin: germline.
Comment: This variant was observed in the ICSL laboratory as part of a predisposition screen in an ostensibly healthy population. It had not been previously curated by ICSL or reported in the Human Gene Mutation Database (HGMD: prior to June 1st, 2018), and was therefore a candidate for classification through an automated scoring system. Utilizing variant allele frequency, disease prevalence and penetrance estimates, and inheritance mode, an automated score was calculated to assess if this variant is too frequent to cause the disease. Based on the score and internal cut-off values, a variant classified as likely benign is not then subjected to further curation. The score for this variant resulted in a classification of likely benign for this disease.

GeneDx
Classification: Benign. Last evaluated: 2016-08-17. Review status: criteria provided, single submitter. Criteria: GeneDx Variant Classification (06012015). Collection method: clinical testing. Allele origin: germline. Affected: yes.
Comment: This variant is considered likely benign or benign based on one or more of the following criteria: it is a conservative change, it occurs at a poorly conserved position in the protein, it is predicted to be benign by multiple in silico algorithms, and/or has population frequency not consistent with disease.

Laboratory for Molecular Medicine, Mass General Brigham Personalized Medicine
Classification: Benign. Last evaluated: 2015-01-13. Review status: criteria provided, single submitter. Criteria: LMM Criteria. Collection method: clinical testing. Allele origin: germline. Observed: 1 variant allele.
Comment: p.Ala595Ala in exon 19 of DYSF: This variant is not expected to have clinical si gnificance because it does not alter an amino acid residue and is not located wi thin the splice consensus sequence. It has been identified in 2.0% (168/8600) of European American chromosomes from a broad population by the NHLBI Exome Sequen cing Project (dbSNP rs35984374).

Eurofins Ntd Llc (ga)
Classification: Benign. Last evaluated: 2012-07-12. Review status: criteria provided, single submitter. Criteria: EGL Classification Definitions 2015. Collection method: clinical testing. Allele origin: germline. Observed: 6 variant alleles, 6 heterozygotes.

Breakthrough Genomics
Classification: Likely benign. Review status: criteria provided, single submitter. Criteria: ACMG Guidelines, 2015. Collection method: not provided. Allele origin: germline. Inheritance: Autosomal recessive inheritance. Affected: yes.

PreventionGenetics, part of Exact Sciences
Classification: Benign. Review status: criteria provided, single submitter. Criteria: ACMG Guidelines, 2015. Collection method: clinical testing. Allele origin: germline.

Natera, Inc.
Classification: Benign for Limb-girdle muscular dystrophy type 2B. Last evaluated: 2020-09-16. Review status: no assertion criteria provided. Collection method: clinical testing. Allele origin: germline. Not counted in ClinVar's aggregate classification.

Genetic Services Laboratory, University of Chicago
Classification: Likely benign for AllHighlyPenetrant. Review status: no assertion criteria provided. Collection method: clinical testing. Allele origin: germline. Inheritance: Autosomal recessive inheritance. Not counted in ClinVar's aggregate classification.
Comment: Likely benign based on allele frequency in 1000 Genomes Project or ESP global frequency and its presence in a patient with a rare or unrelated disease phenotype. NOT Sanger confirmed.

NM_001130987.2(DYSF):c.1785G>A (p.Ala595=)

Gene: DYSF (dysferlin; plus strand). Cytogenetic location: 2p13.2.
Variant type: single nucleotide variant.
Coding change: c.1785G>A on transcript NM_001130987.2 (MANE Select); coding-DNA position 1785, G replaced by A.
Protein change: p.Ala595=; no amino-acid change (alanine 595 retained).
Molecular consequence: synonymous variant.
Genome position (GRCh38, 1-based): chr2:71,551,699, G>A. VCF-style: chr2-71551699-G-A. GRCh37 (hg19) VCF-style: chr2-71778829-G-A.
Other names: p.Ala577=; c.1734G>A, p.Ala578= (NM_001130455.2, NM_001130983.2); c.1689G>A, p.Ala563= (NM_001130976.2, NM_001130977.2); c.1731G>A, p.Ala577= (NM_001130978.2, NM_003494.4); c.1824G>A, p.Ala608= (NM_001130979.2); c.1782G>A, p.Ala594= (NM_001130980.2, NM_001130981.2); c.1827G>A, p.Ala609= (NM_001130982.2); c.1692G>A, p.Ala564= (NM_001130984.2, NM_001130986.2); and 1 more.
Identifiers: ClinVar variation 94279 (VCV000094279.32), dbSNP rs35984374, ClinGen allele CA147724.